The following is an entry in ClinVar:

ClinVar aggregate classification (germline): Uncertain significance. Review status: criteria provided, multiple submitters, no conflicts (2 of 4 stars). 2 submissions from 2 submitters: Uncertain significance (2). Last evaluated 2025-01-05.

Allele frequency attached by ClinVar (database versions not stated): gnomAD exomes below 0.00001; gnomAD 0.00002.
gnomAD v4.1: 4 of 1,613,884 alleles (0.00025%); highest among the groups gnomAD compares: African/African-American, 0.0053%; no homozygotes.

Submissions (2):

Ambry Genetics
Classification: Uncertain significance. Last evaluated: 2025-01-05. Review status: criteria provided, single submitter. Criteria: Ambry Variant Classification Scheme 2023. Collection method: clinical testing. Allele origin: germline.
Comment: The p.T816R variant (also known as c.2447C>G), located in coding exon 13 of the GEN1 gene, results from a C to G substitution at nucleotide position 2447. The threonine at codon 816 is replaced by arginine, an amino acid with similar properties. This amino acid position is conserved. In addition, this alteration is predicted to be tolerated by in silico analysis. Based on the available evidence, the clinical significance of this variant remains unclear.

Labcorp Genetics (formerly Invitae), Labcorp
Classification: Uncertain significance. Last evaluated: 2023-11-21. Review status: criteria provided, single submitter. Criteria: Invitae Variant Classification Sherloc (09022015). Collection method: clinical testing. Allele origin: germline.
Comment: This sequence change replaces threonine, which is neutral and polar, with arginine, which is basic and polar, at codon 816 of the GEN1 protein (p.Thr816Arg). This variant is present in population databases (no rsID available, gnomAD 0.01%). This variant has not been reported in the literature in individuals affected with GEN1-related conditions. An algorithm developed to predict the effect of missense changes on protein structure and function (PolyPhen-2) suggests that this variant is likely to be tolerated. In summary, the available evidence is currently insufficient to determine the role of this variant in disease. Therefore, it has been classified as a Variant of Uncertain Significance.

NM_001130009.3(GEN1):c.2447C>G (p.Thr816Arg)

Gene: GEN1 (GEN1 structure-specific endonuclease; plus strand). Cytogenetic location: 2p24.2.
Variant type: single nucleotide variant.
Coding change: c.2447C>G on transcript NM_001130009.3 (MANE Select); coding-DNA position 2447, C replaced by G.
Protein change: p.Thr816Arg; replaces threonine 816 with arginine.
Molecular consequence: missense variant.
Genome position (GRCh38, 1-based): chr2:17,781,659, C>G. VCF-style: chr2-17781659-C-G. GRCh37 (hg19) VCF-style: chr2-17962926-C-G.
Other names: c.2447C>G, p.Thr816Arg (NM_182625.5); c.2447C>G (NM_001130009.1); short protein forms T816R.
Identifiers: ClinVar variation 2900331 (VCV002900331.4), dbSNP rs905415269, ClinGen allele CA345928067.